The following is an entry in ClinVar:

NM_013432.5(TONSL):c.2248G>A (p.Ala750Thr)

Genes: TONSL-AS1 (TONSL antisense RNA 1; plus strand), TONSL (tonsoku like, DNA repair protein; minus strand). Cytogenetic location: 8q24.3.
Variant type: single nucleotide variant.
Coding change: c.2248G>A on transcript NM_013432.5 (MANE Select); coding-DNA position 2248, G replaced by A.
Protein change: p.Ala750Thr; replaces alanine 750 with threonine.
Molecular consequence: missense variant.
Genome position (GRCh38, 1-based): chr8:144,436,185, C>T on the plus strand (G>A on the coding strand, the complement: TONSL is on the minus strand). VCF-style: chr8-144436185-C-T. GRCh37 (hg19) VCF-style: chr8-145661568-C-T.
Other names: c.2248G>A (NM_013432.4); short protein forms A750T.
Identifiers: ClinVar variation 1437723 (VCV001437723.4), dbSNP rs372270428, ClinGen allele CA4942882.

ClinVar aggregate classification (germline): Conflicting classifications of pathogenicity. Review status: criteria provided, conflicting classifications (1 of 4 stars). 2 submissions from 2 submitters: Uncertain significance (1); Likely benign (1). Last evaluated 2025-06-09.

Conditions:
Inborn genetic diseases. Identifiers: MedGen C0950123, MeSH D030342.

Allele frequency attached by ClinVar (database versions not stated): gnomAD 0.00004; ExAC 0.00014; ESP Exome Variant Server 0.00016; 1000 Genomes Project 30x 0.00016; TOPMed 0.00009; gnomAD exomes 0.00010.

Submissions (2):

Ambry Genetics
Classification: Likely benign for Inborn genetic diseases. Last evaluated: 2025-06-09. Review status: criteria provided, single submitter. Criteria: Ambry Variant Classification Scheme 2023. Collection method: clinical testing. Allele origin: germline.

Labcorp Genetics (formerly Invitae), Labcorp
Classification: Uncertain significance. Last evaluated: 2022-07-23. Review status: criteria provided, single submitter. Criteria: Invitae Variant Classification Sherloc (09022015). Collection method: clinical testing. Allele origin: germline.
Comment: This sequence change replaces alanine, which is neutral and non-polar, with threonine, which is neutral and polar, at codon 750 of the TONSL protein (p.Ala750Thr). This variant is present in population databases (rs372270428, gnomAD 0.05%). This variant has not been reported in the literature in individuals affected with TONSL-related conditions. ClinVar contains an entry for this variant (Variation ID: 1437723). Algorithms developed to predict the effect of missense changes on protein structure and function output the following: SIFT: "Tolerated"; PolyPhen-2: "Benign"; Align-GVGD: "Class C0". The threonine amino acid residue is found in multiple mammalian species, which suggests that this missense change does not adversely affect protein function. In summary, the available evidence is currently insufficient to determine the role of this variant in disease. Therefore, it has been classified as a Variant of Uncertain Significance.